The following is an entry in ClinVar:

NM_020884.7(MYH7B):c.2600G>A (p.Arg867Gln)

Gene: MYH7B (myosin heavy chain 7B; plus strand). Cytogenetic location: 20q11.22.
Variant type: single nucleotide variant.
Coding change: c.2600G>A on transcript NM_020884.7 (MANE Select); coding-DNA position 2600, G replaced by A.
Protein change: p.Arg867Gln; replaces arginine 867 with glutamine.
Molecular consequence: missense variant.
Genome position (GRCh38, 1-based): chr20:34,994,301, G>A. VCF-style: chr20-34994301-G-A. GRCh37 (hg19) VCF-style: chr20-33582104-G-A.
Other names: c.2726G>A (NM_020884.3); short protein forms R867Q.
Identifiers: ClinVar variation 1360631 (VCV001360631.7), dbSNP rs202069312, ClinGen allele CA9827430.

ClinVar aggregate classification (germline): Uncertain significance. Review status: criteria provided, multiple submitters, no conflicts (2 of 4 stars). 2 submissions from 2 submitters: Uncertain significance (2). Last evaluated 2025-11-08.

Allele frequency attached by ClinVar (database versions not stated): 1000 Genomes Project 30x 0.00016; 1000 Genomes Project 0.00020; ExAC 0.00021; gnomAD 0.00025 and 0.00027; TOPMed 0.00025; gnomAD exomes 0.00027 and 0.00061; ESP Exome Variant Server 0.00033.
gnomAD v4.1: 920 of 1,611,118 alleles (0.057%); highest among the groups gnomAD compares: Non-Finnish European, 0.073%; no homozygotes.

Submissions (2):

Labcorp Genetics (formerly Invitae), Labcorp
Classification: Uncertain significance. Last evaluated: 2025-11-08. Review status: criteria provided, single submitter. Criteria: Invitae Variant Classification Sherloc (09022015). Collection method: clinical testing. Allele origin: germline.
Comment: This sequence change replaces arginine, which is basic and polar, with glutamine, which is neutral and polar, at codon 909 of the MYH7B protein (p.Arg909Gln). This variant is present in population databases (rs202069312, gnomAD 0.05%), and has an allele count higher than expected for a pathogenic variant. This variant has not been reported in the literature in individuals affected with MYH7B-related conditions. ClinVar contains an entry for this variant (Variation ID: 1360631). Invitae Evidence Modeling of protein sequence and biophysical properties (such as structural, functional, and spatial information, amino acid conservation, physicochemical variation, residue mobility, and thermodynamic stability) indicates that this missense variant is not expected to disrupt MYH7B protein function with a negative predictive value of 80%. In summary, the available evidence is currently insufficient to determine the role of this variant in disease. Therefore, it has been classified as a Variant of Uncertain Significance.

Ambry Genetics
Classification: Uncertain significance. Last evaluated: 2021-08-10. Review status: criteria provided, single submitter. Criteria: Ambry Variant Classification Scheme 2023. Collection method: clinical testing. Allele origin: germline.